The following is an entry in ClinVar:

NM_000057.4(BLM):c.3188G>A (p.Cys1063Tyr)

Gene: BLM (BLM RecQ like helicase; plus strand). Cytogenetic location: 15q26.1.
Variant type: single nucleotide variant.
Coding change: c.3188G>A on transcript NM_000057.4 (MANE Select); coding-DNA position 3188, G replaced by A.
Protein change: p.Cys1063Tyr; replaces cysteine 1063 with tyrosine.
Molecular consequence: missense variant.
Genome position (GRCh38, 1-based): chr15:90,794,335, G>A. VCF-style: chr15-90794335-G-A. GRCh37 (hg19) VCF-style: chr15-91337565-G-A.
Other names: c.3188G>A, p.Cys1063Tyr (NM_001287246.2, NM_001287247.2); c.2063G>A, p.Cys688Tyr (NM_001287248.2); short protein forms C1063Y, C688Y.
Identifiers: ClinVar variation 1464145 (VCV001464145.3), dbSNP rs2151187434, ClinGen allele CA393847031.

ClinVar aggregate classification (germline): Uncertain significance (1 of 4 stars; one submission).

Conditions:
Bloom syndrome (BLM). Also called: Bloom-Torre-Machacek syndrome. Identifiers: Orphanet 125, MedGen C0005859, MONDO:0008876, OMIM 210900.

Submission:

Labcorp Genetics (formerly Invitae), Labcorp
Classification: Uncertain significance for Bloom syndrome. Last evaluated: 2021-10-13. Review status: criteria provided, single submitter. Criteria: Invitae Variant Classification Sherloc (09022015). Collection method: clinical testing. Allele origin: germline.
Comment: This sequence change replaces cysteine with tyrosine at codon 1063 of the BLM protein (p.Cys1063Tyr). The cysteine residue is highly conserved and there is a large physicochemical difference between cysteine and tyrosine. This variant is not present in population databases (ExAC no frequency). This variant has not been reported in the literature in individuals affected with BLM-related conditions. Algorithms developed to predict the effect of missense changes on protein structure and function are either unavailable or do not agree on the potential impact of this missense change (SIFT: "Deleterious"; PolyPhen-2: "Probably Damaging"; Align-GVGD: "Class C0"). In summary, the available evidence is currently insufficient to determine the role of this variant in disease. Therefore, it has been classified as a Variant of Uncertain Significance.